The following is an entry in ClinVar:

ClinVar aggregate classification (germline): Likely pathogenic. Review status: criteria provided, multiple submitters, no conflicts (2 of 4 stars). 2 submissions from 2 submitters: Likely pathogenic (2). Last evaluated 2024-10-17.

Conditions:
Retinitis pigmentosa 80 (RP80). Identifiers: MedGen C4540439, MONDO:0054708, OMIM 617781.
IFT140-related disorders.

gnomAD v4.1: 1 of 1,508,622 alleles (0.000066%); highest among the groups gnomAD compares: Non-Finnish European, 0.000088%; no homozygotes.

Submissions (2):

MVZ Medizinische Genetik Mainz
Classification: Likely pathogenic for Retinitis pigmentosa 80. Last evaluated: 2024-10-17. Review status: criteria provided, single submitter. Criteria: UK Practice Guidelines For Variant Classification V4 01 2020. Collection method: clinical testing. Allele origin: germline. Inheritance: Autosomal dominant inheritance. Affected: yes. Observed: 1 variant allele.
Comment: ACMG Criteria: PS1,PVS1_MOD,PM2_SUP

Blueprint Genetics
Classification: Likely pathogenic for IFT140-related disorders. Last evaluated: 2021-07-19. Review status: criteria provided, single submitter. Criteria: ACMG Guidelines, 2015. Collection method: clinical testing. Allele origin: germline. Affected: yes. Observed: 1 variant allele.

NM_014714.4(IFT140):c.2577+2T>C

Gene: IFT140 (intraflagellar transport 140; minus strand). Cytogenetic location: 16p13.3.
Variant type: single nucleotide variant.
Coding change: c.2577+2T>C on transcript NM_014714.4 (MANE Select); the canonical splice donor site of the intron after coding-DNA position 2577, T replaced by C.
Molecular consequence: splice donor variant.
Genome position (GRCh38, 1-based): chr16:1,526,617, A>G on the plus strand (T>C on the coding strand, the complement: IFT140 is on the minus strand). VCF-style: chr16-1526617-A-G. GRCh37 (hg19) VCF-style: chr16-1576618-A-G.
Identifiers: ClinVar variation 3383233 (VCV003383233.2).
Genomic context (GRCh38, chr16:1,526,617, plus strand): 5'-GGGGGCCGTGGCTGTGGCAGGCGTGGTGCCTTCCCACCCACCCCATGGCGGGCGCCCCTC[A>G]CCAGCATGCCCAGCTGCGTGGCCAGCACGGCCACGCGGGCCTCTAGCTCCGGCTCCTGCT-3'